The following is an entry in ClinVar:

NC_000011.10:g.(?_2583435)_(2583545_?)del

Gene: KCNQ1 (potassium voltage-gated channel subfamily Q member 1; plus strand). Cytogenetic location: 11p15.5.
Variant type: Deletion.
Identifiers: ClinVar variation 417340 (VCV000417340.1).

ClinVar aggregate classification (germline): Pathogenic (1 of 4 stars; one submission).

Conditions:
Long QT syndrome (LQTS). Identifiers: MedGen C0023976, MeSH D008133, MONDO:0002442. Disease mechanism: loss of function. Inheritance: Various modes of inheritance.

Submission:

Labcorp Genetics (formerly Invitae), Labcorp
Classification: Pathogenic for Long QT syndrome. Last evaluated: 2016-09-23. Review status: criteria provided, single submitter. Criteria: Invitae Variant Classification Sherloc (09022015). Collection method: clinical testing. Allele origin: germline.
Comment: This variant is a gross deletion of the genomic region encompassing exon 7 of the KCNQ1 gene. This is expected to lead to an in-frame deletion, preserving the integrity of the reading frame. The 5' boundary is likely confined to intron 6 and the 3' boundary is likely confined to intron 7 of the KCNQ1 gene. This variant is not present in population databases (ExAC no frequency). This deletion has been reported in the literature to segregate with long QT syndrome in one family (PMID: 25889101). One experimental study has shown that this deletion disrupts protein function and mRNA splicing (PMID: 25889101). In summary, this variant is a rare deletion that has been shown to segregate with disease and has been shown to affect protein function. For these reasons, this variant has been classified as Pathogenic.